The following is an entry in ClinVar:

ClinVar aggregate classification (germline): Uncertain significance (1 of 4 stars; one submission).

Conditions:
Hereditary cancer-predisposing syndrome. Also called: Neoplastic Syndromes, Hereditary; Tumor predisposition; Hereditary neoplastic syndrome; Hereditary Cancer Syndrome. Identifiers: Orphanet 140162, MedGen C0027672, MeSH D009386, MONDO:0015356.

Submission:

Ambry Genetics
Classification: Uncertain significance for Hereditary cancer-predisposing syndrome. Last evaluated: 2024-06-23. Review status: criteria provided, single submitter. Criteria: Ambry Variant Classification Scheme 2023. Collection method: clinical testing. Allele origin: germline.
Comment: The p.I188T variant (also known as c.563T>C), located in coding exon 3 of the TMEM127 gene, results from a T to C substitution at nucleotide position 563. The isoleucine at codon 188 is replaced by threonine, an amino acid with similar properties. This amino acid position is conserved. In addition, this alteration is predicted to be deleterious by in silico analysis. Based on the available evidence, the clinical significance of this variant remains unclear.

NM_017849.4(TMEM127):c.563T>C (p.Ile188Thr)

Gene: TMEM127 (transmembrane protein 127; minus strand). Cytogenetic location: 2q11.2.
Variant type: single nucleotide variant.
Coding change: c.563T>C on transcript NM_017849.4 (MANE Select); coding-DNA position 563, T replaced by C.
Protein change: p.Ile188Thr; replaces isoleucine 188 with threonine.
Molecular consequence: missense variant.
Genome position (GRCh38, 1-based): chr2:96,253,962, A>G on the plus strand (T>C on the coding strand, the complement: TMEM127 is on the minus strand). VCF-style: chr2-96253962-A-G. GRCh37 (hg19) VCF-style: chr2-96919700-A-G.
Other names: c.563T>C, p.Ile188Thr (NM_001193304.3); c.311T>C, p.Ile104Thr (NM_001407282.1, NM_001407283.1); short protein forms I104T, I188T.
Identifiers: ClinVar variation 3326715 (VCV003326715.1).
Genomic context (GRCh38, chr2:96,253,962, plus strand): 5'-AGCGCCTGCTCCTCTTCCTCTGTGGGGTAGTGGCGCAGGAGGTTGGCTGCCGTGGCCAGG[A>G]TTGAGGCTCCACCAGCTCCTGCCACCAGGTAGAAGCTAACGGCGAAGGTGACATAGACCT-3'
Protein context (NP_060319.1, residues 178-198): YLVAGAGGAS[Ile188Thr]LATAANLLRH